The following is an entry in ClinVar:

ClinVar aggregate classification (germline): Conflicting classifications of pathogenicity. Review status: criteria provided, conflicting classifications (1 of 4 stars). 4 submissions from 4 submitters: Pathogenic (3); Uncertain significance (1). Last evaluated 2025-08-11.

Conditions:
Combined immunodeficiency with skin granulomas. Identifiers: Orphanet 157949, MedGen C2673536, MONDO:0009306, OMIM 233650.
Severe combined immunodeficiency, autosomal recessive, T cell-negative, B cell-negative, NK cell-positive. Also called: SCID, AR, T-cell negative, B-cell negative, NK cell-positive; Severe combined immunodeficiency due to complete RAG1/2 deficiency; SCID, T CELL-NEGATIVE, B CELL-NEGATIVE, NK CELL-POSITIVE. Identifiers: Orphanet 331206, MedGen C1832322, MONDO:0011086, OMIM 601457.
Combined immunodeficiency due to partial RAG1 deficiency. Identifiers: Orphanet 231154, MedGen C1835931, MONDO:0012359, OMIM 609889.
Histiocytic medullary reticulosis. Also called: Omenn syndrome; SEVERE COMBINED IMMUNODEFICIENCY WITH HYPEREOSINOPHILIA. Identifiers: Orphanet 39041, MedGen C2700553, MONDO:0011338, OMIM 603554.

Submissions (4):

Labcorp Genetics (formerly Invitae), Labcorp
Classification: Pathogenic for Combined immunodeficiency with skin granulomas; Severe combined immunodeficiency, autosomal recessive, T cell-negative, B cell-negative, NK cell-positive. Last evaluated: 2025-08-11. Review status: criteria provided, single submitter. Criteria: Invitae Variant Classification Sherloc (09022015). Collection method: clinical testing. Allele origin: germline.
Comment: This sequence change creates a premature translational stop signal (p.Arg332*) in the RAG1 gene. While this is not anticipated to result in nonsense mediated decay, it is expected to disrupt the last 712 amino acid(s) of the RAG1 protein. This variant is present in population databases (rs568867325, gnomAD 0.002%). This premature translational stop signal has been observed in individuals with severe combined immunodeficiency and Omenn syndrome (PMID: 20109747, 28747913). ClinVar contains an entry for this variant (Variation ID: 649706). This variant disrupts a region of the RAG1 protein in which other variant(s) (p.R959*) have been determined to be pathogenic (PMID: 11133745, 24290284, 24406074). This suggests that this is a clinically significant region of the protein, and that variants that disrupt it are likely to be disease-causing. For these reasons, this variant has been classified as Pathogenic.

Fulgent Genetics
Classification: Pathogenic for Combined immunodeficiency with skin granulomas; Severe combined immunodeficiency, autosomal recessive, T cell-negative, B cell-negative, NK cell-positive; Histiocytic medullary reticulosis; Combined immunodeficiency due to partial RAG1 deficiency. Last evaluated: 2024-03-29. Review status: criteria provided, single submitter. Criteria: ACMG Guidelines, 2015. Collection method: clinical testing. Allele origin: germline.

Baylor Genetics
Classification: Pathogenic for Combined immunodeficiency due to partial RAG1 deficiency. Last evaluated: 2024-03-13. Review status: criteria provided, single submitter. Criteria: ACMG Guidelines, 2015. Collection method: clinical testing. Allele origin: unknown.

Pediatric Hematology Department, Quanzhou Maternal and Child Health Hospital
Classification: Uncertain significance for Histiocytic medullary reticulosis. Review status: criteria provided, single submitter. Criteria: ACMG Guidelines, 2015. Collection method: clinical testing. Allele origin: inherited. Inheritance: Autosomal recessive inheritance. Affected: yes. Observed: 1 variant allele, 1 heterozygote.
Comment: This nonsense variant (c.994C>T, p.Arg332Ter) in RAG1 is reported in the literature in patients with autosomal recessive Omenn syndrome (PMID:20109747). Therefore, the clinical significance of this heterozygous variant alone is uncertain for causing autosomal recessive Omenn syndrome.

Literature cited by the submitters: PubMed 20109747 (cited by Labcorp Genetics (formerly Invitae), Labcorp and Pediatric Hematology Department, Quanzhou Maternal and Child Health Hospital); PubMed 28747913 (cited by Labcorp Genetics (formerly Invitae), Labcorp and Pediatric Hematology Department, Quanzhou Maternal and Child Health Hospital); PubMed 11133745 (cited by Labcorp Genetics (formerly Invitae), Labcorp); PubMed 24290284 (cited by Labcorp Genetics (formerly Invitae), Labcorp); PubMed 24406074 (cited by Labcorp Genetics (formerly Invitae), Labcorp).

NM_000448.3(RAG1):c.994C>T (p.Arg332Ter)

Gene: RAG1 (recombination activating 1; plus strand). Cytogenetic location: 11p12.
Variant type: single nucleotide variant.
Coding change: c.994C>T on transcript NM_000448.3 (MANE Select); coding-DNA position 994, C replaced by T.
Protein change: p.Arg332Ter; replaces arginine 332 with a stop codon.
Molecular consequence: nonsense.
Genome position (GRCh38, 1-based): chr11:36,574,298, C>T. VCF-style: chr11-36574298-C-T. GRCh37 (hg19) VCF-style: chr11-36595848-C-T.
Other names: p.Arg332Ter; c.994C>T, p.Arg332Ter (NM_001377277.1, NM_001377278.1, NM_001377279.1 and 1 more transcripts); short protein forms R332*.
Identifiers: ClinVar variation 649706 (VCV000649706.12), dbSNP rs568867325, ClinGen allele CA5950082.